The following is an entry in ClinVar:

ClinVar aggregate classification (germline): Uncertain significance. Review status: criteria provided, multiple submitters, no conflicts (2 of 4 stars). 6 submissions from 6 submitters: Uncertain significance (6). Last evaluated 2025-12-24.

Conditions:
Hereditary cancer-predisposing syndrome. Also called: Hereditary Cancer Syndrome; Neoplastic Syndromes, Hereditary; Tumor predisposition; Hereditary neoplastic syndrome. Identifiers: Orphanet 140162, MedGen C0027672, MeSH D009386, MONDO:0015356.
Lynch syndrome. Identifiers: Orphanet 144, MedGen C4552100, MONDO:0005835. Disease mechanism: loss of function.
Hereditary nonpolyposis colorectal neoplasms. Identifiers: MedGen C0009405, MeSH D003123.

Allele frequency attached by ClinVar (database versions not stated): gnomAD exomes 0.00001.
gnomAD v4.1: 18 of 1,610,778 alleles (0.0011%); highest among the groups gnomAD compares: Admixed American, 0.0017%; no homozygotes.

Submissions (6):

Labcorp Genetics (formerly Invitae), Labcorp
Classification: Uncertain significance for Hereditary nonpolyposis colorectal neoplasms. Last evaluated: 2025-12-24. Review status: criteria provided, single submitter. Criteria: Invitae Variant Classification Sherloc (09022015). Collection method: clinical testing. Allele origin: germline.
Comment: This sequence change replaces isoleucine, which is neutral and non-polar, with threonine, which is neutral and polar, at codon 54 of the PMS2 protein (p.Ile54Thr). This variant is present in population databases (rs764565924, gnomAD 0.003%). This missense change has been observed in individual(s) with constitutional mismatch repair deficiency syndrome and colorectal cancer (PMID: 26318770, 31992580). ClinVar contains an entry for this variant (Variation ID: 490095). Invitae Evidence Modeling incorporating data from in vitro experimental studies (internal data) indicates that this missense variant is not expected to disrupt PMS2 function with a negative predictive value of 95%. In summary, the available evidence is currently insufficient to determine the role of this variant in disease. Therefore, it has been classified as a Variant of Uncertain Significance.

Women's Health and Genetics/Laboratory Corporation of America, LabCorp
Classification: Uncertain significance. Last evaluated: 2025-07-29. Review status: criteria provided, single submitter. Criteria: LabCorp Variant Classification Summary - May 2015. Collection method: clinical testing. Allele origin: germline.
Comment: Variant summary: PMS2 c.161T>C (p.Ile54Thr) results in a non-conservative amino acid change in the encoded protein sequence. Algorithms developed to predict the effect of missense changes on protein structure and function all suggest that this variant is likely to be disruptive. Consensus agreement among computation tools predict no significant impact on normal splicing. However, these predictions have yet to be confirmed by functional studies. The variant allele was found at a frequency of 1.6e-05 in 245728 control chromosomes. The available data on variant occurrences in the general population are insufficient to allow any conclusion about variant significance. c.161T>C has been observed in individuals affected with clinical features of Lynch Syndrome (Levoine_2015, Wang_2020). These data do not allow any conclusion about variant significance. To our knowledge, no experimental evidence demonstrating an impact on protein function has been reported. The following publications have been ascertained in the context of this evaluation (PMID: 26318770, 31992580). ClinVar contains an entry for this variant (Variation ID: 490095). Based on the evidence outlined above, the variant was classified as uncertain significance.

Ambry Genetics
Classification: Uncertain significance for Hereditary cancer-predisposing syndrome. Last evaluated: 2025-05-07. Review status: criteria provided, single submitter. Criteria: Ambry Variant Classification Scheme 2023. Collection method: clinical testing. Allele origin: germline.
Comment: The p.I54T variant (also known as c.161T>C), located in coding exon 2 of the PMS2 gene, results from a T to C substitution at nucleotide position 161. The isoleucine at codon 54 is replaced by threonine, an amino acid with similar properties. This variant has been identified in a patient with CMMRD along with a known PMS2 mutation (Lavoine N et al. J Med Genet, 2015 Nov;52:770-8). This amino acid position is not well conserved in available vertebrate species. In addition, this alteration is predicted to be deleterious by in silico analysis. Since supporting evidence is limited at this time, the clinical significance of this alteration remains unclear.

All of Us Research Program, National Institutes of Health
Classification: Uncertain significance for Lynch syndrome. Last evaluated: 2023-10-27. Review status: criteria provided, single submitter. Criteria: ACMG Guidelines, 2015. Collection method: clinical testing. Allele origin: germline. Inheritance: Autosomal dominant inheritance. Observed: 2 variant alleles, 2 heterozygotes.
Comment: This missense variant replaces isoleucine with threonine at codon 54 of the PMS2 protein. Computational prediction suggests that this variant may have deleterious impact on protein structure and function (internally defined REVEL score threshold >= 0.7, PMID: 27666373). To our knowledge, functional studies have not been reported for this variant. This variant has been reported in individuals affected with constitutional mismatch repair deficiency syndrome and early-onset colorectal cancer (PMID: 26318770, 31992580). This variant has been identified in 4/245728 chromosomes in the general population by the Genome Aggregation Database (gnomAD). The available evidence is insufficient to determine the role of this variant in disease conclusively. Therefore, this variant is classified as a Variant of Uncertain Significance.

This study involves interpretation of variants in research participants for the purpose of population health screening. Participant phenotype was not available at the time of variant classification. Additional details can be found in publication PMID: 35346344, PMCID: PMC8962531

Color Diagnostics, LLC DBA Color Health
Classification: Uncertain significance for Hereditary cancer-predisposing syndrome. Last evaluated: 2023-09-29. Review status: criteria provided, single submitter. Criteria: ACMG Guidelines, 2015. Collection method: clinical testing. Allele origin: germline.
Comment: This missense variant replaces isoleucine with threonine at codon 54 of the PMS2 protein. Computational prediction suggests that this variant may have deleterious impact on protein structure and function (internally defined REVEL score threshold >= 0.7, PMID: 27666373). To our knowledge, functional studies have not been reported for this variant. This variant has been reported in individuals affected with constitutional mismatch repair deficiency syndrome and early-onset colorectal cancer (PMID: 26318770, 31992580). This variant has been identified in 4/245728 chromosomes in the general population by the Genome Aggregation Database (gnomAD). The available evidence is insufficient to determine the role of this variant in disease conclusively. Therefore, this variant is classified as a Variant of Uncertain Significance.

GeneDx
Classification: Uncertain significance. Last evaluated: 2023-05-22. Review status: criteria provided, single submitter. Criteria: GeneDx Variant Classification Process June 2021. Collection method: clinical testing. Allele origin: germline. Affected: yes.
Comment: Not observed at significant frequency in large population cohorts (gnomAD); In silico analysis supports that this missense variant has a deleterious effect on protein structure/function; Observed in an individual with colorectal cancer (Wang et al., 2020); Reported to co-occur with a PMS2 frameshift variant in identical twins described as having constitutional mismatch repair deficiency syndrome (CMMRD) whose tumors lacked PMS2 expression on immunohistochemistry, one of whom also lacked PMS2 expression in normal tissue; however, neither had cutaneous features of CMMRD, and familial testing results confirming phase were not reported (Bodo et al., 2015; Lavoine et al., 2015); This variant is associated with the following publications: (PMID: 26116798, 31992580, 11574484, 26318770)

Literature cited by the submitters: PubMed 26318770 (cited by 5 submitters); PubMed 31992580 (cited by 4 submitters).

NM_000535.7(PMS2):c.161T>C (p.Ile54Thr)

Gene: PMS2 (PMS1 homolog 2, mismatch repair system component; minus strand). Cytogenetic location: 7p22.1.
Variant type: single nucleotide variant.
Coding change: c.161T>C on transcript NM_000535.7 (MANE Select); coding-DNA position 161, T replaced by C.
Protein change: p.Ile54Thr; replaces isoleucine 54 with threonine.
Molecular consequence: missense variant. On other transcripts: 5 prime UTR variant (8), non-coding transcript variant (1), intron variant (3).
Genome position (GRCh38, 1-based): chr7:6,005,894, A>G on the plus strand (T>C on the coding strand, the complement: PMS2 is on the minus strand). VCF-style: chr7-6005894-A-G. GRCh37 (hg19) VCF-style: chr7-6045525-A-G.
Other names: c.-245T>C (NM_001322003.2, NM_001322005.2, NM_001322009.2 and 1 more transcripts); c.161T>C, p.Ile54Thr (NM_001322006.2, NM_001322014.2); c.-55T>C (NM_001322007.2); c.-724T>C (NM_001322011.2, NM_001322012.2); c.-324T>C (NM_001322015.2); c.-52-1836T>C (NM_001322008.2); c.-242-1836T>C (NM_001322010.2, NM_001322004.2); short protein forms I54T.
Identifiers: ClinVar variation 490095 (VCV000490095.21), dbSNP rs764565924, ClinGen allele CA044669.